The following is an entry in ClinVar:

NM_000179.3(MSH6):c.3590C>A (p.Thr1197Asn)

Gene: MSH6 (mutS homolog 6; plus strand). Cytogenetic location: 2p16.3.
Variant type: single nucleotide variant.
Coding change: c.3590C>A on transcript NM_000179.3 (MANE Select); coding-DNA position 3590, C replaced by A.
Protein change: p.Thr1197Asn; replaces threonine 1197 with asparagine.
Molecular consequence: missense variant.
Genome position (GRCh38, 1-based): chr2:47,805,651, C>A. VCF-style: chr2-47805651-C-A. GRCh37 (hg19) VCF-style: chr2-48032790-C-A.
Other names: c.3200C>A, p.Thr1067Asn (NM_001281492.2); c.2684C>A, p.Thr895Asn (NM_001281493.2, NM_001281494.2); short protein forms T1197N, T1067N, T895N.
Identifiers: ClinVar variation 490006 (VCV000490006.16), dbSNP rs1298129961, ClinGen allele CA346760535.

ClinVar aggregate classification (germline): Uncertain significance. Review status: criteria provided, multiple submitters, no conflicts (2 of 4 stars). 3 submissions from 3 submitters: Uncertain significance (3). Last evaluated 2025-06-13.

Conditions:
Hereditary cancer-predisposing syndrome. Also called: Hereditary Cancer Syndrome; Neoplastic Syndromes, Hereditary; Tumor predisposition; Hereditary neoplastic syndrome. Identifiers: Orphanet 140162, MedGen C0027672, MeSH D009386, MONDO:0015356.
Hereditary nonpolyposis colorectal neoplasms. Identifiers: MedGen C0009405, MeSH D003123.

gnomAD v4.1: 1 of 1,611,688 alleles (0.000062%); highest among the groups gnomAD compares: Non-Finnish European, 0.000085%; no homozygotes.

Submissions (3):

Ambry Genetics
Classification: Uncertain significance for Hereditary cancer-predisposing syndrome. Last evaluated: 2025-06-13. Review status: criteria provided, single submitter. Criteria: Ambry Variant Classification Scheme 2023. Collection method: clinical testing. Allele origin: germline.
Comment: The p.T1197N variant (also known as c.3590C>A), located in coding exon 7 of the MSH6 gene, results from a C to A substitution at nucleotide position 3590. The threonine at codon 1197 is replaced by asparagine, an amino acid with similar properties. This amino acid position is highly conserved in available vertebrate species. In addition, the in silico prediction for this alteration is inconclusive. Based on the available evidence, the clinical significance of this variant remains unclear.

Labcorp Genetics (formerly Invitae), Labcorp
Classification: Uncertain significance for Hereditary nonpolyposis colorectal neoplasms. Last evaluated: 2024-10-29. Review status: criteria provided, single submitter. Criteria: Invitae Variant Classification Sherloc (09022015). Collection method: clinical testing. Allele origin: germline.
Comment: This sequence change replaces threonine, which is neutral and polar, with asparagine, which is neutral and polar, at codon 1197 of the MSH6 protein (p.Thr1197Asn). This variant is not present in population databases (gnomAD no frequency). This variant has not been reported in the literature in individuals affected with MSH6-related conditions. ClinVar contains an entry for this variant (Variation ID: 490006). Invitae Evidence Modeling of protein sequence and biophysical properties (such as structural, functional, and spatial information, amino acid conservation, physicochemical variation, residue mobility, and thermodynamic stability) has been performed for this missense variant. However, the output from this modeling did not meet the statistical confidence thresholds required to predict the impact of this variant on MSH6 protein function. In summary, the available evidence is currently insufficient to determine the role of this variant in disease. Therefore, it has been classified as a Variant of Uncertain Significance.

Color Diagnostics, LLC DBA Color Health
Classification: Uncertain significance for Hereditary cancer-predisposing syndrome. Last evaluated: 2023-12-05. Review status: criteria provided, single submitter. Criteria: ACMG Guidelines, 2015. Collection method: clinical testing. Allele origin: germline.
Comment: This missense variant replaces threonine with asparagine at codon 1197 of the MSH6 protein. Computational prediction suggests that this variant may have deleterious impact on protein structure and function (internally defined REVEL score threshold >= 0.7, PMID: 27666373). To our knowledge, functional studies have not been reported for this variant. This variant has not been reported in individuals affected with MSH6-related disorders in the literature. This variant has not been identified in the general population by the Genome Aggregation Database (gnomAD). The available evidence is insufficient to determine the role of this variant in disease conclusively. Therefore, this variant is classified as a Variant of Uncertain Significance.